The following is an entry in ClinVar:

NM_000051.4(ATM):c.7577G>A (p.Arg2526Lys)

Genes: ATM (ATM serine/threonine kinase; plus strand), C11orf65 (chromosome 11 open reading frame 65; minus strand). Cytogenetic location: 11q22.3.
Variant type: single nucleotide variant.
Coding change: c.7577G>A on transcript NM_000051.4 (MANE Select); coding-DNA position 7577, G replaced by A.
Protein change: p.Arg2526Lys; replaces arginine 2526 with lysine.
Molecular consequence: missense variant. On other transcripts: non-coding transcript variant (1), intron variant (2).
Genome position (GRCh38, 1-based): chr11:108,331,505, G>A. VCF-style: chr11-108331505-G-A. GRCh37 (hg19) VCF-style: chr11-108202232-G-A.
Other names: c.7577G>A, p.Arg2526Lys (NM_001351834.2); c.641-22434C>T (NM_001330368.2); c.*38+3715C>T (NM_001351110.2); short protein forms R2526K.
Identifiers: ClinVar variation 419176 (VCV000419176.14), dbSNP rs876659323, ClinGen allele CA16619234.
Genomic context (GRCh38, chr11:108,331,505, plus strand): 5'-GAGACGGAATGAAGATTCCAACATATAAATTTTTGCCTCTTATGTACCAATTGGCTGCTA[G>A]AATGGGGACCAAGATGATGGGAGGCCTAGGATTTCATGAAGTCCTCAATAATGTAAGTAA-3'
Protein context (NP_000042.3, residues 2516-2536): FLPLMYQLAA[Arg2526Lys]MGTKMMGGLG

ClinVar aggregate classification (germline): Uncertain significance. Review status: criteria provided, multiple submitters, no conflicts (2 of 4 stars). 3 submissions from 3 submitters: Uncertain significance (3). Last evaluated 2023-08-04.

Conditions:
Hereditary cancer-predisposing syndrome. Also called: Neoplastic Syndromes, Hereditary; Hereditary Cancer Syndrome; Tumor predisposition; Hereditary neoplastic syndrome. Identifiers: Orphanet 140162, MedGen C0027672, MeSH D009386, MONDO:0015356.
Ataxia-telangiectasia syndrome (AT). Also called: LOUIS-BAR SYNDROME; Cerebello-oculocutaneous telangiectasia; Immunodeficiency with ataxia telangiectasia; Ataxia-telangiectasia, complementation group D; AT, COMPLEMENTATION GROUP C; Ataxia-telangiectasia, complementation group E. Identifiers: Orphanet 100, MedGen C0004135, MONDO:0008840, OMIM 208900.

Submissions (3):

Labcorp Genetics (formerly Invitae), Labcorp
Classification: Uncertain significance for Ataxia-telangiectasia syndrome. Last evaluated: 2023-08-04. Review status: criteria provided, single submitter. Criteria: Invitae Variant Classification Sherloc (09022015). Collection method: clinical testing. Allele origin: germline.
Comment: This sequence change replaces arginine, which is basic and polar, with lysine, which is basic and polar, at codon 2526 of the ATM protein (p.Arg2526Lys). This variant is not present in population databases (gnomAD no frequency). This variant has not been reported in the literature in individuals affected with ATM-related conditions. ClinVar contains an entry for this variant (Variation ID: 419176). An algorithm developed to predict the effect of missense changes on protein structure and function (PolyPhen-2) suggests that this variant is likely to be disruptive. In summary, the available evidence is currently insufficient to determine the role of this variant in disease. Therefore, it has been classified as a Variant of Uncertain Significance.

Ambry Genetics
Classification: Uncertain significance for Hereditary cancer-predisposing syndrome. Last evaluated: 2016-01-17. Review status: criteria provided, single submitter. Criteria: Ambry Variant Classification Scheme 2023. Collection method: clinical testing. Allele origin: germline.
Comment: The p.R2526K variant (also known as c.7577G>A), located in coding exon 50 of the ATM gene, results from a G to A substitution at nucleotide position 7577. The arginine at codon 2526 is replaced by lysine, an amino acid with highly similar properties. This variant was not reported in population based cohorts in the following databases: Database of Single Nucleotide Polymorphisms (dbSNP), NHLBI Exome Sequencing Project (ESP), and 1000 Genomes Project. In the ESP, this variant was not observed in 6499 samples (12998 alleles) with coverage at this position. To date, this alteration has been detected with an allele frequency of approximately 0.001% (greater than 125000 alleles tested) in our clinical cohort. This amino acid position is highly conserved in available vertebrate species. In addition, this alteration is predicted to be deleterious by in silico analysis. Since supporting evidence is limited at this time, the clinical significance of p.R2526K remains unclear.

GeneDx
Classification: Uncertain significance. Last evaluated: 2015-06-03. Review status: criteria provided, single submitter. Criteria: GeneDx Variant Classification (06012015). Collection method: clinical testing. Allele origin: germline. Affected: yes.
Comment: This variant is denoted ATM c.7577G>A at the cDNA level, p.Arg2526Lys (R2526K) at the protein level, and results in the change of an Arginine to a Lysine (AGA>AAA). This variant has not, to our knowledge, been published in the literature as pathogenic or benign. ATM Arg2526Lys was not observed in approximately 6,500 individuals of European and African American ancestry in the NHLBI Exome Sequencing Project, indicating it is not a common benign variant in these populations. Since Arginine and Lysine share similar properties, this is considered a conservative amino acid substitution. ATM Arg2526Lys occurs at a position that is conserved across species and is located in the FAT domain (Stracker 2013, UniProt). In silico analyses predict that this variant is probably damaging to protein structure and function. Based on currently available information, it is unclear whether ATM Arg2526Lys is pathogenic or benign. We consider it to be a variant of uncertain significance.